The following is an entry in ClinVar:

ClinVar aggregate classification (germline): Likely benign (0 of 4 stars; one submission).

Conditions:
BOD1-related disorder. Also called: BOD1-related condition.

Allele frequency attached by ClinVar (database versions not stated): TOPMed 0.00001; gnomAD 0.00002; gnomAD exomes 0.00003; ExAC 0.00006.
gnomAD v4.1: 40 of 1,613,660 alleles (0.0025%); highest among the groups gnomAD compares: South Asian, 0.044%; 1 homozygote.

Submission:

PreventionGenetics, part of Exact Sciences
Classification: Likely benign for BOD1-related condition. Last evaluated: 2019-05-15. Review status: no assertion criteria provided. Collection method: clinical testing. Allele origin: germline.
Comment: This variant is classified as likely benign based on ACMG/AMP sequence variant interpretation guidelines (Richards et al. 2015 PMID: 25741868, with internal and published modifications).

NM_138369.3(BOD1):c.549C>T (p.Asp183=)

Gene: BOD1 (biorientation of chromosomes in cell division 1; minus strand). Cytogenetic location: 5q35.2.
Variant type: single nucleotide variant.
Coding change: c.549C>T on transcript NM_138369.3 (MANE Select); coding-DNA position 549, C replaced by T.
Protein change: p.Asp183=; no amino-acid change (aspartic acid 183 retained).
Molecular consequence: synonymous variant. On other transcripts: non-coding transcript variant (4), intron variant (1).
Genome position (GRCh38, 1-based): chr5:173,609,248, G>A on the plus strand (C>T on the coding strand, the complement: BOD1 is on the minus strand). VCF-style: chr5-173609248-G-A. GRCh37 (hg19) VCF-style: chr5-173036251-G-A.
Other names: c.363-956C>T (NM_001159651.3).
Identifiers: ClinVar variation 3042301 (VCV003042301.2), dbSNP rs751399216, ClinGen allele CA3564186.
Genomic context (GRCh38, chr5:173,609,248, plus strand): 5'-ATCTACAAGCCAGAGATGCATACTCCTGGACAGAAGATAGGATACTGGACCTTAGGAAGT[G>A]TCCTGAGATGGAGCTGGAGGGTCCTGGCCTTCGGGCTCTGGAGGGGGTGCTGGCACAGCT-3'
Protein context (NP_612378.1, residues 173-185): EGQDPPAPSQ[Asp183=]TS